The following is an entry in ClinVar:

NM_002299.4(LCT):c.948T>G (p.Ile316Met)

Genes: LCT (lactase; minus strand), LCT-AS1 (LCT antisense RNA 1; plus strand). Cytogenetic location: 2q21.3.
Variant type: single nucleotide variant.
Coding change: c.948T>G on transcript NM_002299.4 (MANE Select); coding-DNA position 948, T replaced by G.
Protein change: p.Ile316Met; replaces isoleucine 316 with methionine.
Molecular consequence: missense variant. On other transcripts: non-coding transcript variant (1).
Genome position (GRCh38, 1-based): chr2:135,822,058, A>C on the plus strand (T>G on the coding strand, the complement: LCT is on the minus strand). VCF-style: chr2-135822058-A-C. GRCh37 (hg19) VCF-style: chr2-136579628-A-C.
Other names: short protein forms I316M.
Identifiers: ClinVar variation 1402404 (VCV001402404.8), dbSNP rs756598710, ClinGen allele CA1888479.

ClinVar aggregate classification (germline): Uncertain significance (1 of 4 stars; one submission).

Allele frequency attached by ClinVar (database versions not stated): ExAC 0.00001; gnomAD exomes 0.00001.
gnomAD v4.1: 9 of 1,609,556 alleles (0.00056%); highest among the groups gnomAD compares: Middle Eastern, 0.099%; no homozygotes.

Submission:

Labcorp Genetics (formerly Invitae), Labcorp
Classification: Uncertain significance. Last evaluated: 2023-11-27. Review status: criteria provided, single submitter. Criteria: Invitae Variant Classification Sherloc (09022015). Collection method: clinical testing. Allele origin: germline.
Comment: This sequence change replaces isoleucine, which is neutral and non-polar, with methionine, which is neutral and non-polar, at codon 316 of the LCT protein (p.Ile316Met). This variant is present in population databases (rs756598710, gnomAD 0.003%). This variant has not been reported in the literature in individuals affected with LCT-related conditions. ClinVar contains an entry for this variant (Variation ID: 1402404). An algorithm developed to predict the effect of missense changes on protein structure and function (PolyPhen-2) suggests that this variant is likely to be tolerated. In summary, the available evidence is currently insufficient to determine the role of this variant in disease. Therefore, it has been classified as a Variant of Uncertain Significance.